The following is an entry in ClinVar:

ClinVar aggregate classification (germline): Conflicting classifications of pathogenicity. Review status: criteria provided, conflicting classifications (1 of 4 stars). 4 submissions from 4 submitters: Uncertain significance (1); Likely benign (3). Last evaluated 2026-07-01.

Conditions:
Intellectual disability. Also called: intellectual disabilities; Intellectual developmental disorder; Intellectual functioning disability. Identifiers: MedGen C3714756, MeSH D008607, MONDO:0001071, HP:0001249.

Submissions (4):

CeGaT Center for Human Genetics Tuebingen
Classification: Likely benign. Last evaluated: 2026-07-01. Review status: criteria provided, single submitter. Criteria: CeGaT Center For Human Genetics Tuebingen Variant Classification Criteria Version 2. Collection method: clinical testing. Allele origin: germline. Affected: yes. Observed: 2 variant alleles.
Comment: CIT: BP4, BS2

Labcorp Genetics (formerly Invitae), Labcorp
Classification: Likely benign. Last evaluated: 2025-12-15. Review status: criteria provided, single submitter. Criteria: Invitae Variant Classification Sherloc (09022015). Collection method: clinical testing. Allele origin: germline.

Blueprint Genetics
Classification: Likely benign. Last evaluated: 2024-11-05. Review status: criteria provided, single submitter. Criteria: ACMG Guidelines, 2015. Collection method: clinical testing. Allele origin: germline.

Cambridge Genomics Laboratory, East Genomic Laboratory Hub, NHS Genomic Medicine Service
Classification: Uncertain significance for Intellectual disability. Last evaluated: 2019-10-23. Review status: criteria provided, single submitter. Criteria: ACGS Best Practice Guidelines for Variant Classification in Rare Disease 2020. Collection method: clinical testing. Allele origin: germline. Affected: yes. Observed: 1 variant allele.

NM_001206999.2(CIT):c.753+8del

Gene: CIT (citron rho-interacting serine/threonine kinase; minus strand). Cytogenetic location: 12q24.23.
Variant type: Deletion.
Coding change: c.753+8del on transcript NM_001206999.2 (MANE Select); 8 bases into the intron after coding-DNA position 753, one base deleted (A; older notation c.753+8delA).
Molecular consequence: intron variant.
Genome position (GRCh38, 1-based): chr12:119,832,763, T deleted on the plus strand (A on the coding strand, the reverse complement: CIT is on the minus strand); the first of 6 consecutive T bases (chr12:119,832,763-119,832,768); deleting any one gives the same sequence. VCF-style (leftmost placement, unchanged base first): chr12-119832762-AT-A. GRCh37 (hg19) VCF-style: chr12-120270566-AT-A.
Other names: c.753+8del (NM_001206999.1, NM_007174.3).
Identifiers: ClinVar variation 493126 (VCV000493126.53), dbSNP rs771292782, ClinGen allele CA6822304.